The following is an entry in ClinVar:

NM_000216.4(ANOS1):c.1871T>G (p.Leu624Arg)

Gene: ANOS1 (anosmin 1; minus strand). Cytogenetic location: Xp22.31.
Variant type: single nucleotide variant.
Coding change: c.1871T>G on transcript NM_000216.4 (MANE Select); coding-DNA position 1871, T replaced by G.
Protein change: p.Leu624Arg; replaces leucine 624 with arginine.
Molecular consequence: missense variant.
Genome position (GRCh38, 1-based): chrX:8,534,432, A>C on the plus strand (T>G on the coding strand, the complement: ANOS1 is on the minus strand). VCF-style: chrX-8534432-A-C. GRCh37 (hg19) VCF-style: chrX-8502473-A-C.
Other names: short protein forms L624R.
Identifiers: ClinVar variation 1036587 (VCV001036587.8), dbSNP rs1929555187, ClinGen allele CA411985706.

ClinVar aggregate classification (germline): Uncertain significance (1 of 4 stars; one submission).

Conditions:
Hypogonadotropic hypogonadism 1 with or without anosmia (HH1). Also called: HYPOGONADOTROPIC HYPOGONADISM 1 WITH ANOSMIA; KAL1-Related GnRH Deficiency (Kallmann Syndrome 1; Kallmann Syndrome, X-Linked); Hypogonadotropic hypogonadism 1 with or without anosmia (Kallmann syndrome 1); HYPOGONADOTROPIC HYPOGONADISM AND ANOSMIA; Kallmann syndrome, type 1, X-linked; DYSPLASIA OLFACTOGENITALIS OF DE MORSIER. Identifiers: Orphanet 478, MedGen C1563719, MONDO:0010635, OMIM 308700. Disease mechanism: loss of function.

Submission:

Labcorp Genetics (formerly Invitae), Labcorp
Classification: Uncertain significance for Hypogonadotropic hypogonadism 1 with or without anosmia. Last evaluated: 2020-02-27. Review status: criteria provided, single submitter. Criteria: Invitae Variant Classification Sherloc (09022015). Collection method: clinical testing. Allele origin: germline.
Comment: This sequence change replaces leucine with arginine at codon 624 of the ANOS1 protein (p.Leu624Arg). The leucine residue is highly conserved and there is a moderate physicochemical difference between leucine and arginine. This variant is not present in population databases (ExAC no frequency). This variant has not been reported in the literature in individuals with ANOS1-related conditions. Algorithms developed to predict the effect of missense changes on protein structure and function are either unavailable or do not agree on the potential impact of this missense change (SIFT: "Deleterious"; PolyPhen-2: "Benign"; Align-GVGD: "Class C0"). In summary, the available evidence is currently insufficient to determine the role of this variant in disease. Therefore, it has been classified as a Variant of Uncertain Significance.